The following is an entry in ClinVar:

ClinVar aggregate classification (germline): Conflicting classifications of pathogenicity. Review status: criteria provided, conflicting classifications (1 of 4 stars). 8 submissions from 8 submitters: Uncertain significance (7); Likely benign (1). Last evaluated 2025-06-14.

Conditions:
Hereditary nonpolyposis colorectal neoplasms. Identifiers: MedGen C0009405, MeSH D003123.
Hereditary cancer-predisposing syndrome. Also called: Tumor predisposition; Hereditary Cancer Syndrome; Neoplastic Syndromes, Hereditary; Hereditary neoplastic syndrome. Identifiers: Orphanet 140162, MedGen C0027672, MeSH D009386, MONDO:0015356.
Mismatch repair cancer syndrome 1 (MMRCS1). Also called: BRAIN TUMOR-POLYPOSIS SYNDROME 1; BTP1 SYNDROME; CHILDHOOD CANCER SYNDROME; MISMATCH REPAIR DEFICIENCY; MMR DEFICIENCY. Identifiers: Orphanet 252202, MedGen C5399763, MONDO:0010159, OMIM 276300. Disease mechanism: loss of function.
Endometrial carcinoma. Also called: Endometrial carcinoma, somatic. Identifiers: MedGen C0476089, MONDO:0002447, OMIM 608089, HP:0012114.
Lynch syndrome 5 (LYNCH5). Also called: Colorectal cancer, hereditary nonpolyposis, type 5; Hereditary non-polyposis colorectal cancer, type 5. Identifiers: Orphanet 144, MedGen C1833477, MONDO:0013710, OMIM 614350. Disease mechanism: loss of function.
Lynch syndrome. Identifiers: Orphanet 144, MedGen C4552100, MONDO:0005835. Disease mechanism: loss of function.

Allele frequency attached by ClinVar (database versions not stated): ExAC 0.00001; gnomAD 0.00001; gnomAD exomes 0.00001; TOPMed 0.00001; ESP Exome Variant Server 0.00008.
gnomAD v4.1: 14 of 1,613,934 alleles (0.00087%); highest among the groups gnomAD compares: Non-Finnish European, 0.0012%; no homozygotes.

Submissions (8):

Labcorp Genetics (formerly Invitae), Labcorp
Classification: Uncertain significance for Hereditary nonpolyposis colorectal neoplasms. Last evaluated: 2025-06-14. Review status: criteria provided, single submitter. Criteria: Invitae Variant Classification Sherloc (09022015). Collection method: clinical testing. Allele origin: germline.
Comment: This sequence change replaces methionine, which is neutral and non-polar, with valine, which is neutral and non-polar, at codon 208 of the MSH6 protein (p.Met208Val). This variant is present in population databases (rs369058374, gnomAD 0.0009%). This variant has not been reported in the literature in individuals affected with MSH6-related conditions. ClinVar contains an entry for this variant (Variation ID: 142490). Invitae Evidence Modeling of protein sequence and biophysical properties (such as structural, functional, and spatial information, amino acid conservation, physicochemical variation, residue mobility, and thermodynamic stability) indicates that this missense variant is not expected to disrupt MSH6 protein function with a negative predictive value of 95%. In summary, the available evidence is currently insufficient to determine the role of this variant in disease. Therefore, it has been classified as a Variant of Uncertain Significance.

Ambry Genetics
Classification: Uncertain significance for Hereditary cancer-predisposing syndrome. Last evaluated: 2025-04-17. Review status: criteria provided, single submitter. Criteria: Ambry Variant Classification Scheme 2023. Collection method: clinical testing. Allele origin: germline.
Comment: The p.M208V variant (also known as c.622A>G), located in coding exon 3 of the MSH6 gene, results from an A to G substitution at nucleotide position 622. The methionine at codon 208 is replaced by valine, an amino acid with highly similar properties. In one study, this variant was detected in 0/165 colorectal cancer and/or polyposis patients and was identified in 1/2512 control individuals from a healthy population database (Rosenthal EA et al. Hum. Genet. 2018 Oct;137:795-806). This amino acid position is not well conserved in available vertebrate species. In addition, this alteration is predicted to be tolerated by in silico analysis. Since supporting evidence is limited at this time, the clinical significance of this alteration remains unclear.

Women's Health and Genetics/Laboratory Corporation of America, LabCorp
Classification: Uncertain significance. Last evaluated: 2025-04-15. Review status: criteria provided, single submitter. Criteria: LabCorp Variant Classification Summary - May 2015. Collection method: clinical testing. Allele origin: germline.
Comment: Variant summary: MSH6 c.622A>G (p.Met208Val) results in a conservative amino acid change in the encoded protein sequence. Four of five in-silico tools predict a benign effect of the variant on protein function. The variant was absent in 251190 control chromosomes. The available data on variant occurrences in the general population are insufficient to allow any conclusion about variant significance. To our knowledge, no occurrence of c.622A>G in individuals affected with Lynch Syndrome and no experimental evidence demonstrating its impact on protein function have been reported. ClinVar contains an entry for this variant (Variation ID: 142490). Based on the evidence outlined above, the variant was classified as uncertain significance.

Color Diagnostics, LLC DBA Color Health
Classification: Likely benign for Hereditary cancer-predisposing syndrome. Last evaluated: 2025-01-21. Review status: criteria provided, single submitter. Criteria: ACMG Guidelines, 2015. Collection method: clinical testing. Allele origin: germline.

GeneDx
Classification: Uncertain significance. Last evaluated: 2024-12-11. Review status: criteria provided, single submitter. Criteria: GeneDx Variant Classification Process June 2021. Collection method: clinical testing. Allele origin: germline.
Comment: Not observed at significant frequency in large population cohorts (gnomAD); In silico analysis indicates that this missense variant does not alter protein structure/function; In silico analysis suggests this variant may impact gene splicing. In the absence of RNA/functional studies, the actual effect of this sequence change is unknown.; Identified in individuals with colorectal cancer with the majority of tumors demonstrating normal mismatch repair immunohistochemistry (PMID: 28466842); This variant is associated with the following publications: (PMID: 23621914, 30267214, 28466842)

All of Us Research Program, National Institutes of Health
Classification: Uncertain significance for Lynch syndrome. Last evaluated: 2023-12-18. Review status: criteria provided, single submitter. Criteria: ACMG Guidelines, 2015. Collection method: clinical testing. Allele origin: germline. Inheritance: Autosomal dominant inheritance. Observed: 2 variant alleles, 2 heterozygotes.
Comment: This missense variant replaces methionine with valine at codon 208 of the MSH6 protein. Computational prediction suggests that this variant may not impact protein structure and function (internally defined REVEL score threshold <= 0.5, PMID: 27666373). To our knowledge, functional studies have not been reported for this variant. This variant has not been reported in individuals affected with MSH6-related disorders in the literature. This variant has not been identified in the general population by the Genome Aggregation Database (gnomAD). The available evidence is insufficient to determine the role of this variant in disease conclusively. Therefore, this variant is classified as a Variant of Uncertain Significance.

This study involves interpretation of variants in research participants for the purpose of population health screening. Participant phenotype was not available at the time of variant classification. Additional details can be found in publication PMID: 35346344, PMCID: PMC8962531

Baylor Genetics
Classification: Uncertain significance for Endometrial carcinoma. Last evaluated: 2022-10-21. Review status: criteria provided, single submitter. Criteria: ACMG Guidelines, 2015. Collection method: clinical testing. Allele origin: unknown.

Fulgent Genetics
Classification: Uncertain significance for Mismatch repair cancer syndrome 1; Endometrial carcinoma; Lynch syndrome 5. Last evaluated: 2018-10-31. Review status: criteria provided, single submitter. Criteria: ACMG Guidelines, 2015. Collection method: clinical testing. Allele origin: unknown.

Literature cited by the submitters: PubMed 30267214 (cited by Ambry Genetics).

NM_000179.3(MSH6):c.622A>G (p.Met208Val)

Gene: MSH6 (mutS homolog 6; plus strand). Cytogenetic location: 2p16.3.
Variant type: single nucleotide variant.
Coding change: c.622A>G on transcript NM_000179.3 (MANE Select); coding-DNA position 622, A replaced by G.
Protein change: p.Met208Val; replaces methionine 208 with valine.
Molecular consequence: missense variant. On other transcripts: 5 prime UTR variant (1), intron variant (2).
Genome position (GRCh38, 1-based): chr2:47,796,058, A>G. VCF-style: chr2-47796058-A-G. GRCh37 (hg19) VCF-style: chr2-48023197-A-G.
Other names: c.-281A>G (NM_001281494.2); c.-279-2553A>G (NM_001281493.2); c.238-2553A>G (NM_001281492.2); short protein forms M208V.
Identifiers: ClinVar variation 142490 (VCV000142490.25), dbSNP rs369058374, ClinGen allele CA015995.